The following is an entry in ClinVar:

ClinVar aggregate classification (germline): Uncertain significance (1 of 4 stars; one submission).

Conditions:
Cardiomyopathy (CMYO). Also called: Cardiomyopathies. Identifiers: Orphanet 167848, MedGen C0878544, MONDO:0004994, HP:0001638. Inheritance: Various modes of inheritance.

gnomAD v4.1: 1 of 1,614,166 alleles (0.000062%); highest among the groups gnomAD compares: Non-Finnish European, 0.000085%; no homozygotes.

Submission:

All of Us Research Program, National Institutes of Health
Classification: Uncertain significance for Cardiomyopathy. Last evaluated: 2024-07-29. Review status: criteria provided, single submitter. Criteria: ACMG Guidelines, 2015. Collection method: clinical testing. Allele origin: germline. Inheritance: Autosomal dominant inheritance. Observed: 1 variant allele, 1 heterozygote.
Comment: This missense variant replaces lysine with glutamine at codon 1814 of the MYH7 protein. Computational prediction suggests that this variant may have deleterious impact on protein structure and function (internally defined REVEL score threshold >= 0.7, PMID: 27666373). To our knowledge, functional studies have not been reported for this variant. This variant has not been reported in individuals affected with MYH7-related disorders in the literature. This variant has not been identified in the general population by the Genome Aggregation Database (gnomAD). The available evidence is insufficient to determine the role of this variant in disease conclusively. Therefore, this variant is classified as a Variant of Uncertain Significance.

This study involves interpretation of variants in research participants for the purpose of population health screening. Participant phenotype was not available at the time of variant classification. Additional details can be found in publication PMID: 35346344, PMCID: PMC8962531

NM_000257.4(MYH7):c.5440A>C (p.Lys1814Gln)

Gene: MYH7 (myosin heavy chain 7; minus strand). Cytogenetic location: 14q11.2.
Variant type: single nucleotide variant.
Coding change: c.5440A>C on transcript NM_000257.4 (MANE Select); coding-DNA position 5440, A replaced by C.
Protein change: p.Lys1814Gln; replaces lysine 1814 with glutamine.
Molecular consequence: missense variant.
Genome position (GRCh38, 1-based): chr14:23,415,114, T>G on the plus strand (A>C on the coding strand, the complement: MYH7 is on the minus strand). VCF-style: chr14-23415114-T-G. GRCh37 (hg19) VCF-style: chr14-23884323-T-G.
Other names: c.5440A>C, p.Lys1814Gln (NM_001407004.1); short protein forms K1814Q.
Identifiers: ClinVar variation 3387282 (VCV003387282.1).
Genomic context (GRCh38, chr14:23,415,114, plus strand): 5'-CGTTGCGCTTCTGCTCGGCCTCCAGCTCATTCTCCAGCTCCCGCACCCGCGCTTCCAGCT[T>G]CTGCAGCTGCTTCTTGCCGCCCTTGAGGGCGATCTGCTCGGCTTCGTCCAGCCGGTGCTG-3'
Protein context (NP_000248.2, residues 1804-1824): ALKGGKKQLQ[Lys1814Gln]LEARVRELEN